The following is an entry in ClinVar:

ClinVar aggregate classification (germline): Pathogenic (1 of 4 stars; one submission).

Conditions:
Hereditary cancer-predisposing syndrome. Also called: Neoplastic Syndromes, Hereditary; Tumor predisposition; Hereditary Cancer Syndrome; Hereditary neoplastic syndrome. Identifiers: Orphanet 140162, MedGen C0027672, MeSH D009386, MONDO:0015356.

Submission:

Ambry Genetics
Classification: Pathogenic for Hereditary cancer-predisposing syndrome. Last evaluated: 2019-01-29. Review status: criteria provided, single submitter. Criteria: Ambry Variant Classification Scheme 2023. Collection method: clinical testing. Allele origin: germline.
Comment: The p.K593* pathogenic mutation (also known as c.1777A>T), located in coding exon 11 of the PMS2 gene, results from an A to T substitution at nucleotide position 1777. This changes the amino acid from a lysine to a stop codon within coding exon 11. This alteration is expected to result in loss of function by premature protein truncation or nonsense-mediated mRNA decay. As such, this alteration is interpreted as a disease-causing mutation.

NM_000535.7(PMS2):c.1777A>T (p.Lys593Ter)

Gene: PMS2 (PMS1 homolog 2, mismatch repair system component; minus strand). Cytogenetic location: 7p22.1.
Variant type: single nucleotide variant.
Coding change: c.1777A>T on transcript NM_000535.7 (MANE Select); coding-DNA position 1777, A replaced by T.
Protein change: p.Lys593Ter; replaces lysine 593 with a stop codon.
Molecular consequence: nonsense. On other transcripts: non-coding transcript variant (1).
Genome position (GRCh38, 1-based): chr7:5,986,988, T>A on the plus strand (A>T on the coding strand, the complement: PMS2 is on the minus strand). VCF-style: chr7-5986988-T-A. GRCh37 (hg19) VCF-style: chr7-6026619-T-A.
Other names: c.1372A>T, p.Lys458Ter (NM_001018040.1, NM_001322003.2, NM_001322004.2 and 17 more transcripts); c.1621A>T, p.Lys541Ter (NM_001322006.2, NM_001406870.1); c.1459A>T, p.Lys487Ter (NM_001322007.2, NM_001322008.2, NM_001406876.1 and 2 more transcripts); c.1216A>T, p.Lys406Ter (NM_001322010.2, NM_001406906.1, NM_001406907.1); c.844A>T, p.Lys282Ter (NM_001322011.2, NM_001322012.2); c.1204A>T, p.Lys402Ter (NM_001322013.2, NM_001406909.1); c.1777A>T, p.Lys593Ter (NM_001322014.2, NM_001406871.1, NM_001406872.1); c.1468A>T, p.Lys490Ter (NM_001322015.2, NM_001406875.1, NM_001406877.1 and 5 more transcripts); and 12 more; short protein forms K282*, K336*, K402*, K458*, K490*, K601*, K422*, K487*.
Identifiers: ClinVar variation 1779897 (VCV001779897.2), dbSNP rs1212790997, ClinGen allele CA366739905.
Genomic context (GRCh38, chr7:5,986,988, plus strand): 5'-TATTAATTTTCACAGCTACATCAACCTGAGAGGCTGACATGTCCTGAGTATTTACTAACT[T>A]TTGACAAATGTCAGAACTGGAAAGAATTTCTTCTTTTTTAAAACGCTTTGTGTTTGGGGT-3'